The following is an entry in ClinVar:

ClinVar aggregate classification (germline): Uncertain significance (1 of 4 stars; one submission).

Conditions:
Inborn genetic diseases. Identifiers: MedGen C0950123, MeSH D030342.

Submission:

Ambry Genetics
Classification: Uncertain significance for Inborn genetic diseases. Last evaluated: 2025-07-12. Review status: criteria provided, single submitter. Criteria: Ambry Variant Classification Scheme 2023. Collection method: clinical testing. Allele origin: germline.
Comment: The p.F1763L variant (also known as c.5287T>C), located in coding exon 20 of the FANCM gene, results from a T to C substitution at nucleotide position 5287. The phenylalanine at codon 1763 is replaced by leucine, an amino acid with highly similar properties. This amino acid position is conserved. In addition, this alteration is predicted to be tolerated by in silico analysis. Based on the available evidence, the clinical significance of this variant remains unclear.

NM_020937.4(FANCM):c.5287T>C (p.Phe1763Leu)

Gene: FANCM (FA complementation group M; plus strand). Cytogenetic location: 14q21.2.
Variant type: single nucleotide variant.
Coding change: c.5287T>C on transcript NM_020937.4 (MANE Select); coding-DNA position 5287, T replaced by C.
Protein change: p.Phe1763Leu; replaces phenylalanine 1763 with leucine.
Molecular consequence: missense variant.
Genome position (GRCh38, 1-based): chr14:45,189,309, T>C. VCF-style: chr14-45189309-T-C. GRCh37 (hg19) VCF-style: chr14-45658512-T-C.
Other names: c.5209T>C, p.Phe1737Leu (NM_001308133.2); short protein forms F1763L, F1737L.
Identifiers: ClinVar variation 4254589 (VCV004254589.1).